The following is an entry in ClinVar:

NM_001999.4(FBN2):c.5976T>A (p.Asn1992Lys)

Gene: FBN2 (fibrillin 2; minus strand). Cytogenetic location: 5q23.3.
Variant type: single nucleotide variant.
Coding change: c.5976T>A on transcript NM_001999.4 (MANE Select); coding-DNA position 5976, T replaced by A.
Protein change: p.Asn1992Lys; replaces asparagine 1992 with lysine.
Molecular consequence: missense variant.
Genome position (GRCh38, 1-based): chr5:128,301,452, A>T on the plus strand (T>A on the coding strand, the complement: FBN2 is on the minus strand). VCF-style: chr5-128301452-A-T. GRCh37 (hg19) VCF-style: chr5-127637144-A-T.
Other names: short protein forms N1992K.
Identifiers: ClinVar variation 1306010 (VCV001306010.2), dbSNP rs1749717202, ClinGen allele CA360766795.

ClinVar aggregate classification (germline): Uncertain significance (1 of 4 stars; one submission).

gnomAD v4.1: 1 of 1,613,674 alleles (0.000062%); highest among the groups gnomAD compares: Non-Finnish European, 0.000085%; no homozygotes.

Submission:

GeneDx
Classification: Uncertain significance. Last evaluated: 2019-05-17. Review status: criteria provided, single submitter. Criteria: GeneDx Variant Classification Process June 2021. Collection method: clinical testing. Allele origin: germline. Affected: yes.
Comment: Has not been previously published as pathogenic or benign to our knowledge; Not observed at significant frequency in large population cohorts (Lek et al., 2016); In silico analysis supports that this missense variant has a deleterious effect on protein structure/function; Although located in a calcium-binding EGF-like domain of the FBN2 gene, it does not affect a cysteine residue within this domain; cysteine substitutions in the calcium-binding EGF-like domains represent the majority of pathogenic missense changes associated with FBN2-related disorders (Frederic et al., 2009)